The following is an entry in ClinVar:

ClinVar aggregate classification (germline): Uncertain significance (1 of 4 stars; one submission).

Conditions:
Early-infantile DEE. Also called: Early infantile epileptic encephalopathy; Ohtahara syndrome; Early infantile epileptic encephalopathy with suppression bursts. Identifiers: Orphanet 1934, MedGen C0393706, MONDO:0800491.

Submission:

Labcorp Genetics (formerly Invitae), Labcorp
Classification: Uncertain significance for Early-infantile DEE. Last evaluated: 2022-08-22. Review status: criteria provided, single submitter. Criteria: Invitae Variant Classification Sherloc (09022015). Collection method: clinical testing. Allele origin: germline.
Comment: In summary, the available evidence is currently insufficient to determine the role of this variant in disease. Therefore, it has been classified as a Variant of Uncertain Significance. Algorithms developed to predict the effect of missense changes on protein structure and function are either unavailable or do not agree on the potential impact of this missense change (SIFT: "Deleterious"; PolyPhen-2: "Benign"; Align-GVGD: "Class C65"). This variant has not been reported in the literature in individuals affected with ARHGEF15-related conditions. This variant is not present in population databases (gnomAD no frequency). This sequence change replaces histidine, which is basic and polar, with tyrosine, which is neutral and polar, at codon 497 of the ARHGEF15 protein (p.His497Tyr).

NM_173728.4(ARHGEF15):c.1489C>T (p.His497Tyr)

Gene: ARHGEF15 (Rho guanine nucleotide exchange factor 15; plus strand). Cytogenetic location: 17p13.1.
Variant type: single nucleotide variant.
Coding change: c.1489C>T on transcript NM_173728.4 (MANE Select); coding-DNA position 1489, C replaced by T.
Protein change: p.His497Tyr; replaces histidine 497 with tyrosine.
Molecular consequence: missense variant.
Genome position (GRCh38, 1-based): chr17:8,315,822, C>T. VCF-style: chr17-8315822-C-T. GRCh37 (hg19) VCF-style: chr17-8219140-C-T.
Other names: c.1489C>T, p.His497Tyr (NM_025014.2); short protein forms H497Y.
Identifiers: ClinVar variation 2052646 (VCV002052646.4), dbSNP rs2543939696, ClinGen allele CA398020706.